The following is an entry in ClinVar:

ClinVar aggregate classification (germline): Uncertain significance (1 of 4 stars; one submission).

Conditions:
Cystic fibrosis (CF). Also called: MUCOVISCIDOSIS. Identifiers: Orphanet 586, MedGen C0010674, MONDO:0009061, OMIM 219700. Disease mechanism: loss of function.

Submission:

Labcorp Genetics (formerly Invitae), Labcorp
Classification: Uncertain significance for Cystic fibrosis. Last evaluated: 2025-05-11. Review status: criteria provided, single submitter. Criteria: Invitae Variant Classification Sherloc (09022015). Collection method: clinical testing. Allele origin: germline.
Comment: This sequence change replaces phenylalanine, which is neutral and non-polar, with leucine, which is neutral and non-polar, at codon 640 of the CFTR protein (p.Phe640Leu). This variant is not present in population databases (gnomAD no frequency). This variant has not been reported in the literature in individuals affected with CFTR-related conditions. Invitae Evidence Modeling of protein sequence and biophysical properties (such as structural, functional, and spatial information, amino acid conservation, physicochemical variation, residue mobility, and thermodynamic stability) indicates that this missense variant is not expected to disrupt CFTR protein function with a negative predictive value of 80%. In summary, the available evidence is currently insufficient to determine the role of this variant in disease. Therefore, it has been classified as a Variant of Uncertain Significance.

NM_000492.4(CFTR):c.1920T>A (p.Phe640Leu)

Gene: CFTR (CF transmembrane conductance regulator; plus strand). Cytogenetic location: 7q31.2.
Variant type: single nucleotide variant.
Coding change: c.1920T>A on transcript NM_000492.4 (MANE Select); coding-DNA position 1920, T replaced by A.
Protein change: p.Phe640Leu; replaces phenylalanine 640 with leucine.
Molecular consequence: missense variant.
Genome position (GRCh38, 1-based): chr7:117,592,087, T>A. VCF-style: chr7-117592087-T-A. GRCh37 (hg19) VCF-style: chr7-117232141-T-A.
Other names: short protein forms F640L.
Identifiers: ClinVar variation 4754557 (VCV004754557.1).